The following is an entry in ClinVar:

NM_152564.5(VPS13B):c.5342T>C (p.Val1781Ala)

Gene: VPS13B (vacuolar protein sorting 13 homolog B; plus strand). Cytogenetic location: 8q22.2.
Variant type: single nucleotide variant.
Coding change: c.5342T>C on transcript NM_152564.5 (MANE Select); coding-DNA position 5342, T replaced by C.
Protein change: p.Val1781Ala; replaces valine 1781 with alanine.
Molecular consequence: missense variant.
Genome position (GRCh38, 1-based): chr8:99,641,932, T>C. VCF-style: chr8-99641932-T-C. GRCh37 (hg19) VCF-style: chr8-100654160-T-C.
Other names: c.5417T>C, p.Val1806Ala (NM_017890.5); short protein forms V1781A, V1806A.
Identifiers: ClinVar variation 4063268 (VCV004063268.3).

ClinVar aggregate classification (germline): Uncertain significance. Review status: criteria provided, multiple submitters, no conflicts (2 of 4 stars). 3 submissions from 3 submitters: Uncertain significance (2). 1 of the submissions does not count toward it. Last evaluated 2026-07-15.

Conditions:
VPS13B-related disorder. Also called: VPS13B-related condition.
Cohen syndrome (COH1). Also called: PEPPER SYNDROME; Cutis verticis gyrata, retinitis pigmentosa, and sensorineural deafness. Identifiers: Orphanet 193, MedGen C0265223, MONDO:0008999, OMIM 216550.

Submissions (3):

PreventionGenetics, part of Exact Sciences
Classification: Uncertain significance for VPS13B-related condition. Last evaluated: 2026-07-15. Review status: criteria provided, single submitter. Criteria: ACMG Guidelines, 2015. Collection method: clinical testing. Allele origin: germline.
Comment: The VPS13B c.5342T>C variant is predicted to result in the amino acid substitution p.Val1781Ala. To our knowledge, this variant has not been reported in the literature or in a large population database (gnomAD), indicating this variant is rare. At this time, the clinical significance of this variant is uncertain due to the absence of conclusive functional and genetic evidence.

Labcorp Genetics (formerly Invitae), Labcorp
Classification: Uncertain significance for Cohen syndrome. Last evaluated: 2025-02-26. Review status: criteria provided, single submitter. Criteria: Invitae Variant Classification Sherloc (09022015). Collection method: clinical testing. Allele origin: germline.
Comment: This sequence change replaces valine, which is neutral and non-polar, with alanine, which is neutral and non-polar, at codon 1806 of the VPS13B protein (p.Val1806Ala). This variant is not present in population databases (gnomAD no frequency). This variant has not been reported in the literature in individuals affected with VPS13B-related conditions. Invitae Evidence Modeling of protein sequence and biophysical properties (such as structural, functional, and spatial information, amino acid conservation, physicochemical variation, residue mobility, and thermodynamic stability) indicates that this missense variant is expected to disrupt VPS13B protein function with a positive predictive value of 80%. In summary, the available evidence is currently insufficient to determine the role of this variant in disease. Therefore, it has been classified as a Variant of Uncertain Significance.

Natera, Inc.
Classification: Uncertain significance for Cohen syndrome. Last evaluated: 2025-01-16. Review status: no assertion criteria provided. Collection method: clinical testing. Allele origin: germline. Not counted in ClinVar's aggregate classification.